The following is an entry in ClinVar:

NM_206926.2(SELENON):c.*646A>G

Gene: SELENON (selenoprotein N; plus strand). Cytogenetic location: 1p36.11.
Variant type: single nucleotide variant.
Coding change: c.*646A>G on transcript NM_206926.2 (MANE Select); 646 bases downstream of the stop codon, A replaced by G.
Molecular consequence: 3 prime UTR variant.
Genome position (GRCh38, 1-based): chr1:25,816,364, A>G. VCF-style: chr1-25816364-A-G. GRCh37 (hg19) VCF-style: chr1-26142855-A-G.
Other names: c.*646A>G (NM_020451.3).
Identifiers: ClinVar variation 297038 (VCV000297038.5), dbSNP rs12072426, ClinGen allele CA10609774.

ClinVar aggregate classification (germline): Likely benign (1 of 4 stars; one submission).

Conditions:
SEPN1-related disorder. Also called: SEPN1-Related Disorders. Identifiers: MedGen CN239420.

Allele frequency attached by ClinVar (database versions not stated): TOPMed 0.02801; gnomAD exomes 0.00376; 1000 Genomes Project 30x 0.02545; gnomAD 0.02628 and 0.02473; 1000 Genomes Project 0.02496.
gnomAD v4.1: 3,726 of 152,868 alleles (2.4%); highest among the groups gnomAD compares: African/African-American, 8.2%; 146 homozygotes.

Submission:

Illumina Laboratory Services, Illumina
Classification: Likely benign for SEPN1-Related Disorders. Last evaluated: 2017-04-27. Review status: criteria provided, single submitter. Criteria: ICSL Variant Classification Criteria 13 December 2019. Collection method: clinical testing. Allele origin: germline.
Comment: This variant was observed as part of a predisposition screen in an ostensibly healthy population. A literature search was performed for the gene, cDNA change, and amino acid change (where applicable). No publications were found based on this search. Allele frequency data from public databases allowed determination this variant is unlikely to cause disease. Therefore, this variant is classified as likely benign.